The following is an entry in ClinVar:

ClinVar aggregate classification (germline): Uncertain significance (1 of 4 stars; one submission).

Submission:

Labcorp Genetics (formerly Invitae), Labcorp
Classification: Uncertain significance. Last evaluated: 2025-05-18. Review status: criteria provided, single submitter. Criteria: Invitae Variant Classification Sherloc (09022015). Collection method: clinical testing. Allele origin: germline.
Comment: This sequence change replaces phenylalanine, which is neutral and non-polar, with tyrosine, which is neutral and polar, at codon 405 of the MTMR14 protein (p.Phe405Tyr). This variant is not present in population databases (gnomAD no frequency). This variant has not been reported in the literature in individuals affected with MTMR14-related conditions. Invitae Evidence Modeling of protein sequence and biophysical properties (such as structural, functional, and spatial information, amino acid conservation, physicochemical variation, residue mobility, and thermodynamic stability) indicates that this missense variant is not expected to disrupt MTMR14 protein function with a negative predictive value of 80%. In summary, the available evidence is currently insufficient to determine the role of this variant in disease. Therefore, it has been classified as a Variant of Uncertain Significance.

NM_001077525.3(MTMR14):c.1214T>A (p.Phe405Tyr)

Gene: MTMR14 (myotubularin related protein 14; plus strand). Cytogenetic location: 3p25.3.
Variant type: single nucleotide variant.
Coding change: c.1214T>A on transcript NM_001077525.3 (MANE Select); coding-DNA position 1214, T replaced by A.
Protein change: p.Phe405Tyr; replaces phenylalanine 405 with tyrosine.
Molecular consequence: missense variant. On other transcripts: non-coding transcript variant (9).
Genome position (GRCh38, 1-based): chr3:9,687,870, T>A. VCF-style: chr3-9687870-T-A. GRCh37 (hg19) VCF-style: chr3-9729554-T-A.
Other names: c.1214T>A, p.Phe405Tyr (NM_001077526.3, NM_022485.5); c.1283T>A, p.Phe428Tyr (NM_001400518.1, NM_001400521.1); c.1211T>A, p.Phe404Tyr (NM_001400519.1, NM_001400522.1); c.1139T>A, p.Phe380Tyr (NM_001400520.1, NM_001400523.1, NM_001400528.1); c.968T>A, p.Phe323Tyr (NM_001400524.1, NM_001400527.1, NM_001400530.1); c.932T>A, p.Phe311Tyr (NM_001400525.1, NM_001400529.1, NM_001400532.1); c.1208T>A, p.Phe403Tyr (NM_001400526.1); c.965T>A, p.Phe322Tyr (NM_001400531.1); and 5 more; short protein forms F298Y, F311Y, F322Y, F403Y, F118Y, F191Y, F428Y, F380Y.
Identifiers: ClinVar variation 4740288 (VCV004740288.1).